The following is an entry in ClinVar:

ClinVar aggregate classification (germline): Uncertain significance (1 of 4 stars; one submission).

Submission:

Labcorp Genetics (formerly Invitae), Labcorp
Classification: Uncertain significance. Last evaluated: 2021-08-17. Review status: criteria provided, single submitter. Criteria: Invitae Variant Classification Sherloc (09022015). Collection method: clinical testing. Allele origin: germline.
Comment: This sequence change replaces cysteine with phenylalanine at codon 1134 of the LRP2 protein (p.Cys1134Phe). The cysteine residue is highly conserved and there is a large physicochemical difference between cysteine and phenylalanine. This variant is not present in population databases (ExAC no frequency). This variant has not been reported in the literature in individuals affected with LRP2-related conditions. Advanced modeling of protein sequence and biophysical properties (such as structural, functional, and spatial information, amino acid conservation, physicochemical variation, residue mobility, and thermodynamic stability) performed at Invitae indicates that this missense variant is expected to disrupt LRP2 protein function. In summary, the available evidence is currently insufficient to determine the role of this variant in disease. Therefore, it has been classified as a Variant of Uncertain Significance.

NM_004525.3(LRP2):c.3401G>T (p.Cys1134Phe)

Gene: LRP2 (LDL receptor related protein 2; minus strand). Cytogenetic location: 2q31.1.
Variant type: single nucleotide variant.
Coding change: c.3401G>T on transcript NM_004525.3 (MANE Select); coding-DNA position 3401, G replaced by T.
Protein change: p.Cys1134Phe; replaces cysteine 1134 with phenylalanine.
Molecular consequence: missense variant.
Genome position (GRCh38, 1-based): chr2:169,244,722, C>A on the plus strand (G>T on the coding strand, the complement: LRP2 is on the minus strand). VCF-style: chr2-169244722-C-A. GRCh37 (hg19) VCF-style: chr2-170101232-C-A.
Other names: short protein forms C1134F.
Identifiers: ClinVar variation 1444514 (VCV001444514.6), dbSNP rs2105389756, ClinGen allele CA349151180.
Genomic context (GRCh38, chr2:169,244,722, plus strand): 5'-ACCAACCAAGGGAAACCAGCTCAAAACTTACTGCAGTTCTTTTCATCAGATCCATCCCCA[C>A]AATCATTGTCTGTGTCACAGACCCAGTTCTTTGAGATACACTGGTGATTATCACAGGTGT-3'
Protein context (NP_004516.2, residues 1124-1144): KNWVCDTDND[Cys1134Phe]GDGSDEKNCN